The following is an entry in ClinVar:

NM_001164508.2(NEB):c.22276del (p.Ala7426fs)

Genes: NEB (nebulin; minus strand), RIF1 (replication timing regulatory factor 1; plus strand). Cytogenetic location: 2q23.3.
Variant type: Deletion.
Coding change: c.22276del on transcript NM_001164508.2 (MANE Select); coding-DNA position 22276, one base deleted (G; older notation c.22276delG).
Protein change: p.Ala7426fs; shifts the reading frame from alanine 7426.
Molecular consequence: frameshift variant.
Genome position (GRCh38, 1-based): chr2:151,524,613, C deleted on the plus strand (G on the coding strand, the reverse complement: NEB is on the minus strand). VCF-style (leftmost placement, unchanged base first): chr2-151524612-GC-G. GRCh37 (hg19) VCF-style: chr2-152381126-GC-G.
Other names: c.22276del, p.Ala7426fs (NM_001164507.2); c.22381del, p.Ala7461fs (NM_001271208.2); c.17173del, p.Ala5725fs (NM_004543.5); short protein forms A7426fs, A7461fs, A5725fs.
Identifiers: ClinVar variation 2962392 (VCV002962392.4), dbSNP rs1442158854, ClinGen allele CA758869935.

ClinVar aggregate classification (germline): Pathogenic/Likely pathogenic. Review status: criteria provided, multiple submitters, no conflicts (2 of 4 stars). 2 submissions from 2 submitters: Pathogenic (1); Likely pathogenic (1). Last evaluated 2025-01-16.

Conditions:
Nemaline myopathy 2 (NEM2). Also called: Nemaline myopathy 2, autosomal recessive. Identifiers: MedGen C1850569, MONDO:0009725, OMIM 256030.

Allele frequency attached by ClinVar (database versions not stated): TOPMed below 0.00001.

Submissions (2):

Natera, Inc.
Classification: Likely pathogenic for Nemaline myopathy type 2. Last evaluated: 2025-01-16. Review status: criteria provided, single submitter. Criteria: Natera Variant Classification Schema (03/2026). Collection method: clinical testing. Allele origin: germline.
Comment: The c.22381delG variant in NEB is a frameshift variant predicted to shift the reading frame beginning at codon 7461 and leads to a stop codon 48 codons downstream. This variant is expected to result in nonsense mediated decay, truncation, or a dysfunctional protein product. This variant is rare in the general population with a frequency below the threshold expected for the associated phenotype(s). Given the available evidence, this variant is classified as Likely Pathogenic.

Labcorp Genetics (formerly Invitae), Labcorp
Classification: Pathogenic for Nemaline myopathy 2. Last evaluated: 2023-09-27. Review status: criteria provided, single submitter. Criteria: Invitae Variant Classification Sherloc (09022015). Collection method: clinical testing. Allele origin: germline.
Comment: For these reasons, this variant has been classified as Pathogenic. This variant has not been reported in the literature in individuals affected with NEB-related conditions. This variant is not present in population databases (gnomAD no frequency). This sequence change creates a premature translational stop signal (p.Ala7461Leufs*48) in the NEB gene. It is expected to result in an absent or disrupted protein product. Loss-of-function variants in NEB are known to be pathogenic (PMID: 25205138).

Literature cited by the submitters: PubMed 25205138 (cited by Labcorp Genetics (formerly Invitae), Labcorp).